The following is an entry in ClinVar:

NM_001903.5(CTNNA1):c.1162G>A (p.Asp388Asn)

Gene: CTNNA1 (catenin alpha 1; plus strand). Cytogenetic location: 5q31.2.
Variant type: single nucleotide variant.
Coding change: c.1162G>A on transcript NM_001903.5 (MANE Select); coding-DNA position 1162, G replaced by A.
Protein change: p.Asp388Asn; replaces aspartic acid 388 with asparagine.
Molecular consequence: missense variant. On other transcripts: 5 prime UTR variant (5), intron variant (2).
Genome position (GRCh38, 1-based): chr5:138,887,508, G>A. VCF-style: chr5-138887508-G-A. GRCh37 (hg19) VCF-style: chr5-138223197-G-A.
Other names: c.1162G>A, p.Asp388Asn (NM_001290307.3, NM_001323982.2, NM_001323983.1 and 3 more transcripts); c.853G>A, p.Asp285Asn (NM_001290309.3); c.793G>A, p.Asp265Asn (NM_001290310.3); c.52G>A, p.Asp18Asn (NM_001290312.1, NM_001323987.1, NM_001323988.1 and 18 more transcripts); c.-346G>A (NM_001324006.1, NM_001324007.1, NM_001324008.1 and 1 more transcripts); c.-221G>A (NM_001324013.1); c.-58+11911G>A (NM_001324012.1); c.-61+11911G>A (NM_001324010.1); and 1 more; short protein forms D388N, D285N, D18N, D265N.
Identifiers: ClinVar variation 1907971 (VCV001907971.6), dbSNP rs1394423178, ClinGen allele CA361132973.

ClinVar aggregate classification (germline): Uncertain significance. Review status: criteria provided, multiple submitters, no conflicts (2 of 4 stars). 2 submissions from 2 submitters: Uncertain significance (2). Last evaluated 2025-04-17.

Conditions:
Hereditary cancer-predisposing syndrome. Also called: Neoplastic Syndromes, Hereditary; Hereditary Cancer Syndrome; Tumor predisposition; Hereditary neoplastic syndrome. Identifiers: Orphanet 140162, MedGen C0027672, MeSH D009386, MONDO:0015356.

Allele frequency attached by ClinVar (database versions not stated): gnomAD exomes below 0.00001.
gnomAD v4.1: 1 of 1,607,380 alleles (0.000062%); highest among the groups gnomAD compares: Non-Finnish European, 0.000085%; no homozygotes.

Submissions (2):

Ambry Genetics
Classification: Uncertain significance for Hereditary cancer-predisposing syndrome. Last evaluated: 2025-04-17. Review status: criteria provided, single submitter. Criteria: Ambry Variant Classification Scheme 2023. Collection method: clinical testing. Allele origin: germline.
Comment: The p.D388N variant (also known as c.1162G>A), located in coding exon 8 of the CTNNA1 gene, results from a G to A substitution at nucleotide position 1162. The aspartic acid at codon 388 is replaced by asparagine, an amino acid with highly similar properties. This amino acid position is conserved. In addition, this alteration is predicted to be tolerated by in silico analysis. Based on the available evidence, the clinical significance of this variant remains unclear.

Labcorp Genetics (formerly Invitae), Labcorp
Classification: Uncertain significance. Last evaluated: 2022-03-02. Review status: criteria provided, single submitter. Criteria: Invitae Variant Classification Sherloc (09022015). Collection method: clinical testing. Allele origin: germline.
Comment: In summary, the available evidence is currently insufficient to determine the role of this variant in disease. Therefore, it has been classified as a Variant of Uncertain Significance. RNA analysis performed to evaluate the impact of this missense change on mRNA splicing indicates it does not significantly alter splicing (Invitae). Algorithms developed to predict the effect of missense changes on protein structure and function are either unavailable or do not agree on the potential impact of this missense change (SIFT: "Deleterious"; PolyPhen-2: "Possibly Damaging"; Align-GVGD: "Class C0"). This variant has not been reported in the literature in individuals affected with CTNNA1-related conditions. This variant is present in population databases (no rsID available, gnomAD 0.0009%). This sequence change replaces aspartic acid, which is acidic and polar, with asparagine, which is neutral and polar, at codon 388 of the CTNNA1 protein (p.Asp388Asn).